The following is an entry in ClinVar:

ClinVar aggregate classification (germline): Uncertain significance (1 of 4 stars; one submission).

Allele frequency attached by ClinVar (database versions not stated): gnomAD exomes 0.00004; ExAC 0.00052.
gnomAD v4.1: 53 of 1,531,380 alleles (0.0035%); highest among the groups gnomAD compares: South Asian, 0.061%; 1 homozygote.

Submission:

Athena Diagnostics
Classification: Uncertain significance. Last evaluated: 2023-01-27. Review status: criteria provided, single submitter. Criteria: Athena Diagnostics Criteria. Collection method: clinical testing. Allele origin: unknown.
Comment: Available data are insufficient to determine the clinical significance of the variant at this time. The frequency of this variant in the general population is uninformative in assessment of its pathogenicity. Computational tools predict that this variant is not damaging.

NM_001292063.2(OTOG):c.4166C>T (p.Pro1389Leu)

Gene: OTOG (otogelin; plus strand). Cytogenetic location: 11p15.1.
Variant type: single nucleotide variant.
Coding change: c.4166C>T on transcript NM_001292063.2 (MANE Select); coding-DNA position 4166, C replaced by T.
Protein change: p.Pro1389Leu; replaces proline 1389 with leucine.
Molecular consequence: missense variant.
Genome position (GRCh38, 1-based): chr11:17,608,305, C>T. VCF-style: chr11-17608305-C-T. GRCh37 (hg19) VCF-style: chr11-17629852-C-T.
Other names: c.4202C>T, p.Pro1401Leu (NM_001277269.2); short protein forms P1389L, P1401L.
Identifiers: ClinVar variation 1807525 (VCV001807525.2), dbSNP rs767565951, ClinGen allele CA5905819.